The following is an entry in ClinVar:

ClinVar aggregate classification (germline): Uncertain significance (1 of 4 stars; one submission).

Submission:

Quest Diagnostics Nichols Institute San Juan Capistrano
Classification: Uncertain significance. Last evaluated: 2024-03-11. Review status: criteria provided, single submitter. Criteria: Quest Diagnostics criteria. Collection method: clinical testing. Allele origin: unknown.
Comment: The HBB c.-133_-132insCCACAGCCTAG variant, to the best of our knowledge, has not been reported in the published literature. It also has not been reported in large, multi-ethnic general populations (Genome Aggregation Database). Based on the available information, we are unable to determine the clinical significance of this variant.

NM_000518.4(HBB):c.-133_-132insCCACAGCCTAG

Genes: HBB (hemoglobin subunit beta; minus strand), LOC106099062 (HBB recombination region; plus strand), LOC107133510 (origin of replication at HBB; plus strand). Cytogenetic location: 11p15.4.
Variant type: Insertion.
Coding change: c.-133_-132insCCACAGCCTAG on transcript NM_000518.4; 133 bases upstream of the start codon through 132 bases upstream of the start codon, CCACAGCCTAG inserted.
Genome position: GRCh38 VCF-style: chr11-5227153-C-CCTAGGCTGTGG. GRCh37 (hg19) VCF-style: chr11-5248383-C-CCTAGGCTGTGG.
Identifiers: ClinVar variation 3572123 (VCV003572123.1).